The following is an entry in ClinVar:

ClinVar aggregate classification (germline): Likely benign. Review status: criteria provided, multiple submitters, no conflicts (2 of 4 stars). 4 submissions from 4 submitters: Likely benign (4). Last evaluated 2025-02-10.

Conditions:
LRP5-related disorder. Also called: LRP5-related condition.

Allele frequency attached by ClinVar (database versions not stated): TOPMed 0.00001.
gnomAD v4.1: 23 of 1,614,066 alleles (0.0014%); highest among the groups gnomAD compares: Admixed American, 0.015%; no homozygotes.

Submissions (4):

PreventionGenetics, part of Exact Sciences
Classification: Likely benign for LRP5-related condition. Last evaluated: 2025-02-10. Review status: criteria provided, single submitter. Criteria: ACMG Guidelines, 2015. Collection method: clinical testing. Allele origin: germline.
Comment: This variant is classified as likely benign based on ACMG/AMP sequence variant interpretation guidelines (Richards et al. 2015 PMID: 25741868, with internal and published modifications).

Labcorp Genetics (formerly Invitae), Labcorp
Classification: Likely benign. Last evaluated: 2024-12-02. Review status: criteria provided, single submitter. Criteria: Invitae Variant Classification Sherloc (09022015). Collection method: clinical testing. Allele origin: germline.

Blueprint Genetics
Classification: Likely benign. Last evaluated: 2024-11-25. Review status: criteria provided, single submitter. Criteria: ACMG Guidelines, 2015. Collection method: clinical testing. Allele origin: germline.

Breakthrough Genomics
Classification: Likely benign. Review status: criteria provided, single submitter. Criteria: ACMG Guidelines, 2015. Collection method: not provided. Allele origin: germline. Inheritance: Autosomal recessive inheritance. Affected: yes.

NM_002335.4(LRP5):c.1959C>T (p.Ala653=)

Gene: LRP5 (LDL receptor related protein 5; plus strand). Cytogenetic location: 11q13.2.
Variant type: single nucleotide variant.
Coding change: c.1959C>T on transcript NM_002335.4 (MANE Select); coding-DNA position 1959, C replaced by T.
Protein change: p.Ala653=; no amino-acid change (alanine 653 retained).
Molecular consequence: synonymous variant.
Genome position (GRCh38, 1-based): chr11:68,406,681, C>T. VCF-style: chr11-68406681-C-T. GRCh37 (hg19) VCF-style: chr11-68174149-C-T.
Other names: c.216C>T, p.Ala72= (NM_001291902.2).
Identifiers: ClinVar variation 749930 (VCV000749930.13), dbSNP rs755991257, ClinGen allele CA6149494.